The following is an entry in ClinVar:

NM_015978.3(TNNI3K):c.2339C>T (p.Ala780Val)

Genes: FPGT-TNNI3K (FPGT-TNNI3K readthrough; plus strand), LRRC53 (leucine rich repeat containing 53; minus strand), TNNI3K (TNNI3 interacting kinase; plus strand). Cytogenetic location: 1p31.1.
Variant type: single nucleotide variant.
Coding change: c.2339C>T on transcript NM_015978.3 (MANE Select); coding-DNA position 2339, C replaced by T.
Protein change: p.Ala780Val; replaces alanine 780 with valine.
Molecular consequence: missense variant. On other transcripts: intron variant (2).
Genome position (GRCh38, 1-based): chr1:74,492,254, C>T. VCF-style: chr1-74492254-C-T. GRCh37 (hg19) VCF-style: chr1-74957938-C-T.
Other names: c.2642C>T, p.Ala881Val (NM_001112808.3); c.-8-11286G>A (NM_001364666.2); c.-26-8879G>A (NM_001382280.1); short protein forms A881V, A780V.
Identifiers: ClinVar variation 3641220 (VCV003641220.2).

ClinVar aggregate classification (germline): Uncertain significance (1 of 4 stars; one submission).

Submission:

Labcorp Genetics (formerly Invitae), Labcorp
Classification: Uncertain significance. Last evaluated: 2024-02-16. Review status: criteria provided, single submitter. Criteria: Invitae Variant Classification Sherloc (09022015). Collection method: clinical testing. Allele origin: germline.
Comment: This sequence change replaces alanine, which is neutral and non-polar, with valine, which is neutral and non-polar, at codon 780 of the TNNI3K protein (p.Ala780Val). This variant is not present in population databases (gnomAD no frequency). This variant has not been reported in the literature in individuals affected with TNNI3K-related conditions. An algorithm developed to predict the effect of missense changes on protein structure and function (PolyPhen-2) suggests that this variant is likely to be tolerated. In summary, the available evidence is currently insufficient to determine the role of this variant in disease. Therefore, it has been classified as a Variant of Uncertain Significance.